The following is an entry in ClinVar:

NM_002691.4(POLD1):c.687G>T (p.Gln229His)

Gene: POLD1 (DNA polymerase delta 1, catalytic subunit; plus strand). Cytogenetic location: 19q13.33.
Variant type: single nucleotide variant.
Coding change: c.687G>T on transcript NM_002691.4 (MANE Select); coding-DNA position 687, G replaced by T.
Protein change: p.Gln229His; replaces glutamine 229 with histidine.
Molecular consequence: missense variant. On other transcripts: non-coding transcript variant (1).
Genome position (GRCh38, 1-based): chr19:50,402,302, G>T. VCF-style: chr19-50402302-G-T. GRCh37 (hg19) VCF-style: chr19-50905559-G-T.
Other names: c.687G>T, p.Gln229His (NM_001256849.1, NM_001308632.1); short protein forms Q229H.
Identifiers: ClinVar variation 2838687 (VCV002838687.3), dbSNP rs1333627312, ClinGen allele CA406974353.
Genomic context (GRCh38, chr19:50,402,302, plus strand): 5'-CCTGCGCATCACCGTGGCGCTGCCGCGCCTCGTGGCCCCGGCCCGCCGTCTCCTGGAACA[G>T]GGCATCCGTGTGGCAGGCCTGGGCACGCCCAGCTTCGCGCCCTACGAGGCCAACGTCGAC-3'
Protein context (NP_002682.2, residues 219-239): LVAPARRLLE[Gln229His]GIRVAGLGTP

ClinVar aggregate classification (germline): Uncertain significance (1 of 4 stars; one submission).

Conditions:
POLD1-related polyposis and colorectal cancer syndrome (CRCS10). Also called: Colorectal cancer 10; COLORECTAL CANCER, SUSCEPTIBILITY TO, ON CHROMOSOME 19q; Colorectal cancer, susceptibility to, 10. Identifiers: Orphanet 220460, MedGen C2675481, MONDO:0012953, OMIM 612591.

Submission:

Labcorp Genetics (formerly Invitae), Labcorp
Classification: Uncertain significance for POLD1-related polyposis and colorectal cancer syndrome. Last evaluated: 2023-02-18. Review status: criteria provided, single submitter. Criteria: Invitae Variant Classification Sherloc (09022015). Collection method: clinical testing. Allele origin: germline.
Comment: This variant has not been reported in the literature in individuals affected with POLD1-related conditions. This sequence change replaces glutamine, which is neutral and polar, with histidine, which is basic and polar, at codon 229 of the POLD1 protein (p.Gln229His). This variant is not present in population databases (gnomAD no frequency). Advanced modeling of protein sequence and biophysical properties (such as structural, functional, and spatial information, amino acid conservation, physicochemical variation, residue mobility, and thermodynamic stability) performed at Invitae indicates that this missense variant is not expected to disrupt POLD1 protein function. In summary, the available evidence is currently insufficient to determine the role of this variant in disease. Therefore, it has been classified as a Variant of Uncertain Significance.